The following is an entry in ClinVar:

ClinVar aggregate classification (germline): Uncertain significance (1 of 4 stars; one submission).

Allele frequency attached by ClinVar (database versions not stated): gnomAD 0.00003; TOPMed 0.00003.
gnomAD v4.1: 25 of 1,612,806 alleles (0.0016%); highest among the groups gnomAD compares: Middle Eastern, 0.033%; no homozygotes.

Submission:

Labcorp Genetics (formerly Invitae), Labcorp
Classification: Uncertain significance. Last evaluated: 2022-07-23. Review status: criteria provided, single submitter. Criteria: Invitae Variant Classification Sherloc (09022015). Collection method: clinical testing. Allele origin: germline.
Comment: This sequence change affects codon 703 of the MME mRNA. It is a 'silent' change, meaning that it does not change the encoded amino acid sequence of the MME protein. This variant is present in population databases (rs201186384, gnomAD 0.01%). This variant has not been reported in the literature in individuals affected with MME-related conditions. Algorithms developed to predict the effect of sequence changes on RNA splicing suggest that this variant may disrupt the consensus splice site. In summary, the available evidence is currently insufficient to determine the role of this variant in disease. Therefore, it has been classified as a Variant of Uncertain Significance.

NM_007289.4(MME):c.2109G>A (p.Ala703=)

Gene: MME (membrane metalloendopeptidase; plus strand). Cytogenetic location: 3q25.2.
Variant type: single nucleotide variant.
Coding change: c.2109G>A on transcript NM_007289.4 (MANE Select); coding-DNA position 2109, G replaced by A.
Protein change: p.Ala703=; no amino-acid change (alanine 703 retained).
Molecular consequence: synonymous variant.
Genome position (GRCh38, 1-based): chr3:155,172,568, G>A. VCF-style: chr3-155172568-G-A. GRCh37 (hg19) VCF-style: chr3-154890357-G-A.
Other names: c.2109G>A, p.Ala703= (NM_000902.5, NM_001354642.2, NM_001354643.1 and 2 more transcripts).
Identifiers: ClinVar variation 1905634 (VCV001905634.2), dbSNP rs201186384, ClinGen allele CA2675749.